The following is an entry in ClinVar:

ClinVar aggregate classification (germline): Likely benign (1 of 4 stars; one submission).

Submission:

CeGaT Center for Human Genetics Tuebingen
Classification: Likely benign. Last evaluated: 2026-04-01. Review status: criteria provided, single submitter. Criteria: CeGaT Center For Human Genetics Tuebingen Variant Classification Criteria Version 2. Collection method: clinical testing. Allele origin: germline. Affected: yes. Observed: 1 variant allele.
Comment: RAC3: BP4, BP7

NM_005052.3(RAC3):c.537G>A (p.Pro179=)

Gene: RAC3 (Rac family small GTPase 3; plus strand). Cytogenetic location: 17q25.3.
Variant type: single nucleotide variant.
Coding change: c.537G>A on transcript NM_005052.3 (MANE Select); coding-DNA position 537, G replaced by A.
Protein change: p.Pro179=; no amino-acid change (proline 179 retained).
Molecular consequence: synonymous variant. On other transcripts: 3 prime UTR variant (1).
Genome position (GRCh38, 1-based): chr17:82,033,787, G>A. VCF-style: chr17-82033787-G-A. GRCh37 (hg19) VCF-style: chr17-79991663-G-A.
Other names: c.*28G>A (NM_001316307.2).
Identifiers: ClinVar variation 4872586 (VCV004872586.2).